The following is an entry in ClinVar:

NM_201384.3(PLEC):c.10357A>G (p.Lys3453Glu)

Gene: PLEC (plectin; minus strand). Cytogenetic location: 8q24.3.
Variant type: single nucleotide variant.
Coding change: c.10357A>G on transcript NM_201384.3 (MANE Select); coding-DNA position 10357, A replaced by G.
Protein change: p.Lys3453Glu; replaces lysine 3453 with glutamic acid.
Molecular consequence: missense variant.
Genome position (GRCh38, 1-based): chr8:143,919,464, T>C on the plus strand (A>G on the coding strand, the complement: PLEC is on the minus strand). VCF-style: chr8-143919464-T-C. GRCh37 (hg19) VCF-style: chr8-144993632-T-C.
Other names: c.10438A>G, p.Lys3480Glu (NM_000445.5); c.10315A>G, p.Lys3439Glu (NM_201378.4); c.10291A>G, p.Lys3431Glu (NM_201379.3); c.10768A>G, p.Lys3590Glu (NM_201380.4); c.10261A>G, p.Lys3421Glu (NM_201381.3); c.10357A>G, p.Lys3453Glu (NM_201382.4); c.10369A>G, p.Lys3457Glu (NM_201383.3); short protein forms K3439E, K3453E, K3457E, K3590E, K3431E, K3480E, K3421E.
Identifiers: ClinVar variation 1371796 (VCV001371796.8), dbSNP rs1358043804, ClinGen allele CA372499947.

ClinVar aggregate classification (germline): Uncertain significance (1 of 4 stars; one submission).

Conditions:
Epidermolysis bullosa simplex 5C, with pyloric atresia (EBS5C). Also called: PLEC-Related Epidermolysis Bullosa with Pyloric Atresia; Epidermolysis bullosa simplex with pyloric atresia; PLEC1-Related Epidermolysis Bullosa with Pyloric Atresia. Identifiers: Orphanet 158684, MedGen C2677349, MONDO:0012807, OMIM 612138.
Epidermolysis bullosa simplex 5B, with muscular dystrophy (EBS5B). Also called: EPIDERMOLYSIS BULLOSA SIMPLEX AND LIMB-GIRDLE MUSCULAR DYSTROPHY; Epidermolysis bullosa simplex with muscular dystrophy. Identifiers: Orphanet 257, MedGen C2931072, MONDO:0009181, OMIM 226670.
Epidermolysis bullosa simplex, Ogna type (EBS5A). Also called: Pidermolysis bullosa simplex 5A, Ogna type; EPIDERMOLYSIS BULLOSA SIMPLEX 5A, OGNA TYPE. Identifiers: Orphanet 79401, MedGen C0432317, MONDO:0007555, OMIM 131950.
Autosomal recessive limb-girdle muscular dystrophy type 2Q (LGMDR17). Also called: MUSCULAR DYSTROPHY, LIMB-GIRDLE, AUTOSOMAL RECESSIVE 17. Identifiers: Orphanet 254361, MedGen C3150989, MONDO:0013390, OMIM 613723.
Epidermolysis bullosa simplex with nail dystrophy (EBS5D). Identifiers: MedGen C4225309, MONDO:0014661, OMIM 616487.

Allele frequency attached by ClinVar (database versions not stated): gnomAD exomes below 0.00001; TOPMed below 0.00001; gnomAD 0.00001.
gnomAD v4.1: 5 of 1,613,146 alleles (0.00031%); highest among the groups gnomAD compares: Non-Finnish European, 0.00034%; no homozygotes.

Submission:

Labcorp Genetics (formerly Invitae), Labcorp
Classification: Uncertain significance for Autosomal recessive limb-girdle muscular dystrophy type 2Q; Epidermolysis bullosa simplex, Ogna type; Epidermolysis bullosa simplex with nail dystrophy; Epidermolysis bullosa simplex 5C, with pyloric atresia; Epidermolysis bullosa simplex 5B, with muscular dystrophy. Last evaluated: 2021-01-26. Review status: criteria provided, single submitter. Criteria: Invitae Variant Classification Sherloc (09022015). Collection method: clinical testing. Allele origin: germline.
Comment: Algorithms developed to predict the effect of missense changes on protein structure and function (SIFT, PolyPhen-2, Align-GVGD) all suggest that this variant is likely to be disruptive, but these predictions have not been confirmed by published functional studies and their clinical significance is uncertain. This variant has not been reported in the literature in individuals with PLEC-related conditions. This variant is not present in population databases (ExAC no frequency). This sequence change replaces lysine with glutamic acid at codon 3480 of the PLEC protein (p.Lys3480Glu). The lysine residue is highly conserved and there is a small physicochemical difference between lysine and glutamic acid. In summary, the available evidence is currently insufficient to determine the role of this variant in disease. Therefore, it has been classified as a Variant of Uncertain Significance.